The following is an entry in ClinVar:

ClinVar aggregate classification (germline): Benign/Likely benign. Review status: criteria provided, multiple submitters, no conflicts (2 of 4 stars). 10 submissions from 10 submitters: Benign (2); Likely benign (6). 2 of the submissions do not count toward it. Last evaluated 2026-08-01.

Submissions (10):

CeGaT Center for Human Genetics Tuebingen
Classification: Likely benign. Last evaluated: 2026-08-01. Review status: criteria provided, single submitter. Criteria: CeGaT Center For Human Genetics Tuebingen Variant Classification Criteria Version 2. Collection method: clinical testing. Allele origin: germline. Affected: yes. Observed: 7 variant alleles.
Comment: COL11A2: BP4, BS2

Women's Health and Genetics/Laboratory Corporation of America, LabCorp
Classification: Benign. Last evaluated: 2026-05-21. Review status: criteria provided, single submitter. Criteria: LabCorp Variant Classification Summary - May 2015. Collection method: clinical testing. Allele origin: germline.
Comment: Variant summary: COL11A2 c.2584-5delC alters a nucleotide located at a position not widely known to affect splicing. Consensus agreement among computation tools predict no significant impact on normal splicing. However, these predictions have yet to be confirmed by functional studies. The variant allele was found at a frequency of 0.0012 in 239644 control chromosomes in the gnomAD database, including 2 homozygotes. The observed variant frequency exceeds the estimated maximal expected allele frequency for disease-causing variants in COL11A2. To our knowledge, no occurrence of c.2584-5delC in individuals affected with COL11A2-related conditions and no experimental evidence demonstrating its impact on protein function have been reported. ClinVar contains an entry for this variant (Variation ID: 227266). Based on the evidence outlined above, the variant was classified as benign.

Labcorp Genetics (formerly Invitae), Labcorp
Classification: Benign. Last evaluated: 2026-02-01. Review status: criteria provided, single submitter. Criteria: Invitae Variant Classification Sherloc (09022015). Collection method: clinical testing. Allele origin: germline.

Blueprint Genetics
Classification: Likely benign. Last evaluated: 2024-11-14. Review status: criteria provided, single submitter. Criteria: ACMG Guidelines, 2015. Collection method: clinical testing. Allele origin: germline.

GeneDx
Classification: Likely benign. Last evaluated: 2020-12-09. Review status: criteria provided, single submitter. Criteria: GeneDx Variant Classification Process June 2021. Collection method: clinical testing. Allele origin: germline. Affected: yes.

Laboratory for Molecular Medicine, Mass General Brigham Personalized Medicine
Classification: Likely benign. Last evaluated: 2017-06-26. Review status: criteria provided, single submitter. Criteria: LMM Criteria. Collection method: clinical testing. Allele origin: germline. Observed: 2 variant alleles.
Comment: c.2584-5delC in intron 34 of COL11A2: This variant is not expected to have clin ical significance because this variant has been identified in 0.21% (254/121798) of European chromosomes including 2 homozygotes by the Genome Aggregation Datab ase (gnomAD; dbSNP rs555657704). Furthermore, computational tools do not predict an impact to splicing.

Eurofins Ntd Llc (ga)
Classification: Likely benign. Last evaluated: 2016-09-28. Review status: criteria provided, single submitter. Criteria: EGL Classification Definitions 2015. Collection method: clinical testing. Allele origin: germline. Observed: 2 variant alleles, 1 heterozygote.

PreventionGenetics, part of Exact Sciences
Classification: Likely benign. Review status: criteria provided, single submitter. Criteria: ACMG Guidelines, 2015. Collection method: clinical testing. Allele origin: germline.

Clinical Genetics DNA and cytogenetics Diagnostics Lab, Erasmus MC, Erasmus Medical Center
Classification: Likely benign. Review status: no assertion criteria provided. Collection method: clinical testing. Allele origin: germline. Affected: yes. Study: VKGL Data-share Consensus. Not counted in ClinVar's aggregate classification.

Genome Diagnostics Laboratory, Amsterdam University Medical Center
Classification: Likely benign. Review status: no assertion criteria provided. Collection method: clinical testing. Allele origin: germline. Affected: yes. Study: VKGL Data-share Consensus. Not counted in ClinVar's aggregate classification.

NM_080680.3(COL11A2):c.2584-5del

Gene: COL11A2 (collagen type XI alpha 2 chain; minus strand). Cytogenetic location: 6p21.32.
Variant type: Deletion.
Coding change: c.2584-5del on transcript NM_080680.3 (MANE Select); 5 bases into the intron before coding-DNA position 2584, one base deleted (C; older notation c.2584-5delC).
Molecular consequence: intron variant.
Genome position (GRCh38, 1-based): chr6:33,173,750, G deleted on the plus strand (C on the coding strand, the reverse complement: COL11A2 is on the minus strand); the first of 6 consecutive G bases (chr6:33,173,750-33,173,755); deleting any one gives the same sequence. VCF-style (leftmost placement, unchanged base first): chr6-33173749-TG-T. GRCh37 (hg19) VCF-style: chr6-33141526-TG-T.
Other names: c.2584-5delC (NM_080680.3); c.2263-5del (NM_080679.3); c.2326-5del (NM_080681.3).
Identifiers: ClinVar variation 227266 (VCV000227266.54), dbSNP rs555657704, ClinGen allele CA3750823.